The following is an entry in ClinVar:

NM_001370785.2(LRRC7):c.4347A>G (p.Pro1449=)

Gene: LRRC7 (leucine rich repeat containing 7; plus strand). Cytogenetic location: 1p31.1.
Variant type: single nucleotide variant.
Coding change: c.4347A>G on transcript NM_001370785.2 (MANE Select); coding-DNA position 4347, A replaced by G.
Protein change: p.Pro1449=; no amino-acid change (proline 1449 retained).
Molecular consequence: synonymous variant.
Genome position (GRCh38, 1-based): chr1:70,076,193, A>G. VCF-style: chr1-70076193-A-G. GRCh37 (hg19) VCF-style: chr1-70541876-A-G.
Other names: c.4107A>G, p.Pro1369= (NM_001330635.3, NM_001366841.1); c.4209A>G, p.Pro1403= (NM_001350216.3); c.4206A>G, p.Pro1402= (NM_001366838.3); c.3927A>G, p.Pro1309= (NM_001366839.3).
Identifiers: ClinVar variation 3778281 (VCV003778281.7).

ClinVar aggregate classification (germline): Likely benign (1 of 4 stars; one submission).

gnomAD v4.1: 5 of 1,614,058 alleles (0.00031%); highest among the groups gnomAD compares: Admixed American, 0.0033%; no homozygotes.

Submission:

CeGaT Center for Human Genetics Tuebingen
Classification: Likely benign. Last evaluated: 2025-03-01. Review status: criteria provided, single submitter. Criteria: CeGaT Center For Human Genetics Tuebingen Variant Classification Criteria Version 2. Collection method: clinical testing. Allele origin: germline. Affected: yes. Observed: 1 variant allele.
Comment: LRRC7: BP4, BP7